The following is an entry in ClinVar:

ClinVar aggregate classification (germline): Uncertain significance (1 of 4 stars; one submission).

Conditions:
Oculodentodigital dysplasia, autosomal recessive. Also called: OCULODENTOOSSEOUS DYSPLASIA, AUTOSOMAL RECESSIVE; ODDD, AUTOSOMAL RECESSIVE; ODOD, AUTOSOMAL RECESSIVE. Identifiers: Orphanet 2710, MedGen C2749477, MONDO:0009768, OMIM 257850.

Allele frequency attached by ClinVar (database versions not stated): gnomAD 0.00001; gnomAD exomes 0.00001; TOPMed 0.00001.
gnomAD v4.1: 11 of 1,613,770 alleles (0.00068%); highest among the groups gnomAD compares: Non-Finnish European, 0.00093%; no homozygotes.

Submission:

Labcorp Genetics (formerly Invitae), Labcorp
Classification: Uncertain significance for Oculodentodigital dysplasia, autosomal recessive. Last evaluated: 2023-05-28. Review status: criteria provided, single submitter. Criteria: Invitae Variant Classification Sherloc (09022015). Collection method: clinical testing. Allele origin: germline.
Comment: Advanced modeling of protein sequence and biophysical properties (such as structural, functional, and spatial information, amino acid conservation, physicochemical variation, residue mobility, and thermodynamic stability) has been performed at Invitae for this missense variant, however the output from this modeling did not meet the statistical confidence thresholds required to predict the impact of this variant on GJA1 protein function. This variant has not been reported in the literature in individuals affected with GJA1-related conditions. This variant is not present in population databases (gnomAD no frequency). This sequence change replaces glutamic acid, which is acidic and polar, with valine, which is neutral and non-polar, at codon 352 of the GJA1 protein (p.Glu352Val). In summary, the available evidence is currently insufficient to determine the role of this variant in disease. Therefore, it has been classified as a Variant of Uncertain Significance.

NM_000165.5(GJA1):c.1055A>T (p.Glu352Val)

Gene: GJA1 (gap junction protein alpha 1; plus strand). Cytogenetic location: 6q22.31.
Variant type: single nucleotide variant.
Coding change: c.1055A>T on transcript NM_000165.5 (MANE Select); coding-DNA position 1055, A replaced by T.
Protein change: p.Glu352Val; replaces glutamic acid 352 with valine.
Molecular consequence: missense variant.
Genome position (GRCh38, 1-based): chr6:121,447,902, A>T. VCF-style: chr6-121447902-A-T. GRCh37 (hg19) VCF-style: chr6-121769048-A-T.
Other names: short protein forms E352V.
Identifiers: ClinVar variation 2881941 (VCV002881941.3), dbSNP rs1172512044, ClinGen allele CA365560982.
Genomic context (GRCh38, chr6:121,447,902, plus strand): 5'-CACAGCCTTTTGATTTCCCCGATGATAACCAGAATTCTAAAAAACTAGCTGCTGGACATG[A>T]ATTACAGCCACTAGCCATTGTGGACCAGCGACCTTCAAGCAGAGCCAGCAGTCGTGCCAG-3'
Protein context (NP_000156.1, residues 342-362): QNSKKLAAGH[Glu352Val]LQPLAIVDQR